The following is an entry in ClinVar:

NM_001348716.2(KDM6B):c.2378_2379delinsAG (p.Pro793Gln)

Gene: KDM6B (lysine demethylase 6B; plus strand). Cytogenetic location: 17p13.1.
Variant type: Indel.
Coding change: c.2378_2379delinsAG on transcript NM_001348716.2 (MANE Select); coding-DNA positions 2378 to 2379, CA replaced by AG.
Protein change: p.Pro793Gln; replaces proline 793 with glutamine.
Molecular consequence: missense variant.
Genome position (GRCh38, 1-based): chr17:7,848,666-7,848,667, CA replaced by AG. VCF-style: chr17-7848666-CA-AG. GRCh37 (hg19) VCF-style: chr17-7751984-CA-AG.
Other names: c.2378_2379delinsAG, p.Pro793Gln (NM_001080424.2); short protein forms P793Q.
Identifiers: ClinVar variation 2572707 (VCV002572707.1), dbSNP rs2544527098, ClinGen allele CA2580613993.
Genomic context (GRCh38, chr17:7,848,666, plus strand): 5'-CAGCCCTACCACCACCACCGCCTCTAGCCAAGTTCCCTCCACCCTCTCAGCCACAGCCAC[CA>AG]CCACCCCCACCCCCCAGCCCGGCCAGCCTGCTCAAATCCTTGGCCTCCGTGCTGGAGGGA-3'
Protein context (NP_001335645.1, residues 783-803): KFPPPSQPQP[Pro793Gln]PPPPPSPASL

ClinVar aggregate classification (germline): Uncertain significance (1 of 4 stars; one submission).

Submission:

GeneDx
Classification: Uncertain significance. Last evaluated: 2023-01-11. Review status: criteria provided, single submitter. Criteria: GeneDx Variant Classification Process June 2021. Collection method: clinical testing. Allele origin: germline. Affected: yes.
Comment: Not observed at significant frequency in large population cohorts (gnomAD); In silico analysis supports that this variant does not alter protein structure/function; Has not been previously published as pathogenic or benign to our knowledge